The following is an entry in ClinVar:

NM_007294.4(BRCA1):c.2468del (p.Arg823fs)

Gene: BRCA1 (BRCA1 DNA repair associated; minus strand). Cytogenetic location: 17q21.31.
Variant type: Deletion.
Coding change: c.2468del on transcript NM_007294.4 (MANE Select); coding-DNA position 2468, one base deleted (G; older notation c.2468delG).
Protein change: p.Arg823fs; shifts the reading frame from arginine 823.
Molecular consequence: frameshift variant. On other transcripts: intron variant (137).
Genome position (GRCh38, 1-based): chr17:43,093,063, C deleted on the plus strand (G on the coding strand, the reverse complement: BRCA1 is on the minus strand). VCF-style (leftmost placement, unchanged base first): chr17-43093062-TC-T. GRCh37 (hg19) VCF-style: chr17-41245079-TC-T.
Other names: 2587delG; c.2264del, p.Arg755fs (NM_001407875.1, NM_001407874.1); c.2258del, p.Arg753fs (NM_001407879.1, NM_001407881.1, NM_001407882.1 and 13 more transcripts); c.2255del, p.Arg752fs (NM_001407894.1, NM_001407895.1, NM_001407896.1 and 9 more transcripts); c.2345del, p.Arg782fs (NM_001407919.1, NM_001407937.1, NM_001407938.1 and 19 more transcripts); c.2204del, p.Arg735fs (NM_001407920.1, NM_001407921.1, NM_001407922.1 and 9 more transcripts); c.2201del, p.Arg734fs (NM_001407930.1, NM_001407931.1, NM_001407932.1 and 2 more transcripts); c.2342del, p.Arg781fs (NM_001407940.1, NM_001407941.1, NM_001407649.1 and 11 more transcripts); and 42 more; short protein forms R776fs, R823fs, R696fs, R711fs, R735fs, R752fs, R753fs, R756fs.
Identifiers: ClinVar variation 54574 (VCV000054574.3), dbSNP rs80357799, ClinGen allele CA001640.

ClinVar aggregate classification (germline): Pathogenic. Review status: reviewed by expert panel (3 of 4 stars). 2 submissions from 2 submitters: Pathogenic (1). 1 of the submissions does not count toward it. Last evaluated 2016-09-08.

Conditions:
Breast-ovarian cancer, familial, susceptibility to, 1 (BROVCA1). Also called: OVARIAN CANCER, SUSCEPTIBILITY TO; BRCA1 Hereditary Breast and Ovarian Cancer. Identifiers: Orphanet 145, MedGen C2676676, MONDO:0011450, OMIM 604370. Disease mechanism: loss of function.

Submissions (2):

Evidence-based Network for the Interpretation of Germline Mutant Alleles (ENIGMA)
Classification: Pathogenic for Breast-ovarian cancer, familial, susceptibility to, 1. Last evaluated: 2016-09-08. Review status: reviewed by expert panel. Criteria: ENIGMA BRCA1/2 Classification Criteria (2015). Collection method: curation. Allele origin: germline.
Comment: Variant allele predicted to encode a truncated non-functional protein.

Breast Cancer Information Core (BIC) (BRCA1)
Classification: Pathogenic for Breast-ovarian cancer, familial 1. Review status: no assertion criteria provided. Collection method: clinical testing. Allele origin: germline. Affected: yes. Observed: 1 variant allele. Not counted in ClinVar's aggregate classification.